The following is an entry in ClinVar:

ClinVar aggregate classification (germline): Uncertain significance (1 of 4 stars; one submission).

Conditions:
Syndromic multisystem autoimmune disease due to ITCH deficiency. Also called: AUTOIMMUNE DISEASE, MULTISYSTEM, WITH FACIAL DYSMORPHISM. Identifiers: Orphanet 228426, MedGen C3150649, MONDO:0013245, OMIM 613385.

Allele frequency attached by ClinVar (database versions not stated): gnomAD exomes below 0.00001 and 0.00001; TOPMed below 0.00001; ExAC 0.00001; gnomAD 0.00001.
gnomAD v4.1: 6 of 1,611,324 alleles (0.00037%); highest among the groups gnomAD compares: East Asian, 0.0022%; no homozygotes.

Submission:

Labcorp Genetics (formerly Invitae), Labcorp
Classification: Uncertain significance for Syndromic multisystem autoimmune disease due to ITCH deficiency. Last evaluated: 2023-06-26. Review status: criteria provided, single submitter. Criteria: Invitae Variant Classification Sherloc (09022015). Collection method: clinical testing. Allele origin: germline.
Comment: In summary, the available evidence is currently insufficient to determine the role of this variant in disease. Therefore, it has been classified as a Variant of Uncertain Significance. An algorithm developed to predict the effect of missense changes on protein structure and function (PolyPhen-2) suggests that this variant¬†is likely to be tolerated. ClinVar contains an entry for this variant (Variation ID: 1052930). This variant has not been reported in the literature in individuals affected with ITCH-related conditions. This variant is present in population databases (rs766018655, gnomAD 0.0009%). This sequence change replaces serine, which is neutral and polar, with proline, which is neutral and non-polar, at codon 388 of the ITCH protein (p.Ser388Pro).

NM_031483.7(ITCH):c.1162T>C (p.Ser388Pro)

Gene: ITCH (itchy E3 ubiquitin protein ligase; plus strand). Cytogenetic location: 20q11.22.
Variant type: single nucleotide variant.
Coding change: c.1162T>C on transcript NM_031483.7 (MANE Select); coding-DNA position 1162, T replaced by C.
Protein change: p.Ser388Pro; replaces serine 388 with proline.
Molecular consequence: missense variant.
Genome position (GRCh38, 1-based): chr20:34,449,432, T>C. VCF-style: chr20-34449432-T-C. GRCh37 (hg19) VCF-style: chr20-33037237-T-C.
Other names: c.1285T>C, p.Ser429Pro (NM_001257137.3, NM_001324197.2); c.832T>C, p.Ser278Pro (NM_001257138.3); c.1162T>C, p.Ser388Pro (NM_001324198.2); short protein forms S278P, S388P, S429P.
Identifiers: ClinVar variation 1052930 (VCV001052930.7), dbSNP rs766018655, ClinGen allele CA9821586.
Genomic context (GRCh38, chr20:34,449,432, plus strand): 5'-AAGTTGTTAATAGTTTCATCACTTTTTGGTTCTTTTTAGAATCAAGATTTATTTGCTACA[T>C]CACAAAGTAAAGAATTTGATCCTCTTGGTCCATTGCCACCTGGATGGGGTAAGTCACATG-3'
Protein context (NP_113671.3, residues 378-398): IYGNQDLFAT[Ser388Pro]QSKEFDPLGP